The following is an entry in ClinVar:

ClinVar aggregate classification (germline): Uncertain significance (1 of 4 stars; one submission).

Conditions:
Usher syndrome type 3B. Also called: USHER SYNDROME, TYPE IIIB. Identifiers: MedGen C3281066, MONDO:0013788, OMIM 614504.

Submission:

Labcorp Genetics (formerly Invitae), Labcorp
Classification: Uncertain significance for Usher syndrome type 3B. Last evaluated: 2025-07-23. Review status: criteria provided, single submitter. Criteria: Invitae Variant Classification Sherloc (09022015). Collection method: clinical testing. Allele origin: germline.
Comment: This sequence change falls in intron 6 of the HARS gene. It does not directly change the encoded amino acid sequence of the HARS protein. It affects a nucleotide within the consensus splice site. This variant is present in population databases (rs533067917, gnomAD 0.003%). This variant has not been reported in the literature in individuals affected with HARS-related conditions. ClinVar contains an entry for this variant (Variation ID: 1680330). Variants that disrupt the consensus splice site are a relatively common cause of aberrant splicing (PMID: 17576681, 9536098). Algorithms developed to predict the effect of sequence changes on RNA splicing suggest that this variant is not likely to affect RNA splicing. In summary, the available evidence is currently insufficient to determine the role of this variant in disease. Therefore, it has been classified as a Variant of Uncertain Significance.

Literature cited by the submitters: PubMed 17576681; PubMed 9536098.

NM_002109.6(HARS1):c.631-3C>T

Gene: HARS1 (histidyl-tRNA synthetase 1; minus strand). Cytogenetic location: 5q31.3.
Variant type: single nucleotide variant.
Coding change: c.631-3C>T on transcript NM_002109.6 (MANE Select); 3 bases into the intron before coding-DNA position 631, C replaced by T.
Molecular consequence: intron variant.
Genome position (GRCh38, 1-based): chr5:140,677,756, G>A on the plus strand (C>T on the coding strand, the complement: HARS1 is on the minus strand). VCF-style: chr5-140677756-G-A. GRCh37 (hg19) VCF-style: chr5-140057341-G-A.
Other names: c.544-3C>T (NM_001289094.2); c.289-3C>T (NM_001289093.2); c.451-3C>T (NM_001258042.3); c.511-3C>T (NM_001258040.3); c.409-3C>T (NM_001289092.2); c.571-3C>T (NM_001258041.3).
Identifiers: ClinVar variation 1680330 (VCV001680330.6), dbSNP rs533067917, ClinGen allele CA3444033.